The following is an entry in ClinVar:

ClinVar aggregate classification (germline): Likely benign (0 of 4 stars; one submission).

Conditions:
Polycystic kidney disease. Also called: Polycystic kidney dysplasia; Kidney, Polycystic. Identifiers: MedGen C0022680, MeSH D007690, MONDO:0020642, HP:0000113.

Allele frequency attached by ClinVar (database versions not stated): ExAC below 0.00001; gnomAD exomes 0.00003 and 0.00017; gnomAD 0.00005 and 0.00006; TOPMed 0.00007.
gnomAD v4.1: 47 of 1,317,184 alleles (0.0036%); highest among the groups gnomAD compares: East Asian, 0.1%; no homozygotes.

Submission:

Department of Pathology and Laboratory Medicine, Sinai Health System
Classification: Likely benign for Polycystic Kidney disease. Review status: no assertion criteria provided. Collection method: clinical testing. Allele origin: unknown. Affected: yes. Study: The Canadian Open Genetics Repository (COGR).
Comment: The PKD1 p.Asn983= variant was not identified in the literature nor was it identified in the ClinVar, LOVD 3.0, ADPKD Mutation Database, or PKD1-LOVD database. The variant was identified in dbSNP (ID: rs766568622). The variant was identified in 24 of 144516 chromosomes at a frequency of 0.0002 (Genome Aggregation Database Feb 27, 2017). The variant was observed in the following populations: Other in 1 of 4218 chromosomes (freq: 0.0003) and East Asian in 23 of 11478 chromosomes (freq: 0.002); it was not observed in the African, Latino, European, Ashkenazi Jewish, Finnish, or South Asian populations. The variant was identified in our laboratory with a co-occurring pathogenic PKD1 variant (c.856_862del, p.Gly287*), increasing the likelihood that the p.Asn983= variant does not have clinical significance. The p.Asn983= variant is not expected to have clinical significance because it does not result in a change of amino acid and is not located in a known consensus splice site, although 1 of 4 in silico or computational prediction software programs (SpliceSiteFinder, MaxEntScan, NNSPLICE, GeneSplicer) predicts a greater than 10% difference in splicing; this is not very predictive of pathogenicity. In summary, based on the above information, the clinical significance of this variant cannot be determined with certainty at this time although we would lean towards a more benign role for this variant. This variant is classified as likely benign.

NM_001009944.3(PKD1):c.2949T>C (p.Asn983=)

Gene: PKD1 (polycystin 1, transient receptor potential channel interacting; minus strand). Cytogenetic location: 16p13.3.
Variant type: single nucleotide variant.
Coding change: c.2949T>C on transcript NM_001009944.3 (MANE Select); coding-DNA position 2949, T replaced by C.
Protein change: p.Asn983=; no amino-acid change (asparagine 983 retained).
Molecular consequence: synonymous variant.
Genome position (GRCh38, 1-based): chr16:2,113,197, A>G on the plus strand (T>C on the coding strand, the complement: PKD1 is on the minus strand). VCF-style: chr16-2113197-A-G. GRCh37 (hg19) VCF-style: chr16-2163198-A-G.
Other names: c.2949T>C, p.Asn983= (NM_000296.4).
Identifiers: ClinVar variation 997378 (VCV000997378.1), dbSNP rs766568622, ClinGen allele CA7833021.